The following is an entry in ClinVar:

ClinVar aggregate classification (germline): Conflicting classifications of pathogenicity. Review status: criteria provided, conflicting classifications (1 of 4 stars). 4 submissions from 4 submitters: Uncertain significance (1); Benign (1); Likely benign (2). Last evaluated 2025-09-14.

Conditions:
Emery-Dreifuss muscular dystrophy 5, autosomal dominant (EDMD5). Also called: EMERY-DREIFUSS MUSCULAR DYSTROPHY 5. Identifiers: Orphanet 261, MedGen C2751805, MONDO:0013072, OMIM 612999.

Allele frequency attached by ClinVar (database versions not stated): gnomAD exomes 0.00031 and 0.00053; TOPMed 0.00031; ESP Exome Variant Server 0.00046; gnomAD 0.00051 and 0.00054; 1000 Genomes Project 0.00060; 1000 Genomes Project 30x 0.00062; ExAC 0.00063.
gnomAD v4.1: 537 of 1,614,174 alleles (0.033%); highest among the groups gnomAD compares: African/African-American, 0.075%; 2 homozygotes.

Submissions (4):

Labcorp Genetics (formerly Invitae), Labcorp
Classification: Likely benign for Emery-Dreifuss muscular dystrophy 5, autosomal dominant. Last evaluated: 2025-09-14. Review status: criteria provided, single submitter. Criteria: Invitae Variant Classification Sherloc (09022015). Collection method: clinical testing. Allele origin: germline.

Ambry Genetics
Classification: Uncertain significance. Last evaluated: 2025-08-21. Review status: criteria provided, single submitter. Criteria: Ambry Variant Classification Scheme 2023. Collection method: clinical testing. Allele origin: germline.

Blueprint Genetics
Classification: Likely benign. Last evaluated: 2024-01-02. Review status: criteria provided, single submitter. Criteria: ACMG Guidelines, 2015. Collection method: clinical testing. Allele origin: germline.

Illumina Laboratory Services, Illumina
Classification: Benign for Emery-Dreifuss muscular dystrophy 5, autosomal dominant. Last evaluated: 2018-01-12. Review status: criteria provided, single submitter. Criteria: ICSL Variant Classification Criteria 13 December 2019. Collection method: clinical testing. Allele origin: germline.
Comment: This variant was observed in the ICSL laboratory as part of a predisposition screen in an ostensibly healthy population. It had not been previously curated by ICSL or reported in the Human Gene Mutation Database (HGMD: prior to June 1st, 2018), and was therefore a candidate for classification through an automated scoring system. Utilizing variant allele frequency, disease prevalence and penetrance estimates, and inheritance mode, an automated score was calculated to assess if this variant is too frequent to cause the disease. Based on the score and internal cut-off values, a variant classified as benign is not then subjected to further curation. The score for this variant resulted in a classification of benign for this disease.

NM_182914.3(SYNE2):c.15218A>G (p.Asn5073Ser)

Gene: SYNE2 (spectrin repeat containing nuclear envelope protein 2; plus strand). Cytogenetic location: 14q23.2.
Variant type: single nucleotide variant.
Coding change: c.15218A>G on transcript NM_182914.3 (MANE Select); coding-DNA position 15218, A replaced by G.
Protein change: p.Asn5073Ser; replaces asparagine 5073 with serine.
Molecular consequence: missense variant.
Genome position (GRCh38, 1-based): chr14:64,142,000, A>G. VCF-style: chr14-64142000-A-G. GRCh37 (hg19) VCF-style: chr14-64608718-A-G.
Other names: c.15218A>G, p.Asn5073Ser (NM_015180.6); short protein forms N5073S.
Identifiers: ClinVar variation 313605 (VCV000313605.15), dbSNP rs142274277, ClinGen allele CA7223020.